The following is an entry in ClinVar:

ClinVar aggregate classification (germline): Uncertain significance (1 of 4 stars; one submission).

Allele frequency attached by ClinVar (database versions not stated): gnomAD exomes below 0.00001; TOPMed below 0.00001; ExAC 0.00001; gnomAD 0.00001.

Submission:

Labcorp Genetics (formerly Invitae), Labcorp
Classification: Uncertain significance. Last evaluated: 2022-05-23. Review status: criteria provided, single submitter. Criteria: Invitae Variant Classification Sherloc (09022015). Collection method: clinical testing. Allele origin: germline.
Comment: In summary, the available evidence is currently insufficient to determine the role of this variant in disease. Therefore, it has been classified as a Variant of Uncertain Significance. Advanced modeling of protein sequence and biophysical properties (such as structural, functional, and spatial information, amino acid conservation, physicochemical variation, residue mobility, and thermodynamic stability) performed at Invitae indicates that this missense variant is not expected to disrupt CRB2 protein function. This variant has not been reported in the literature in individuals affected with CRB2-related conditions. This variant is present in population databases (rs776396868, gnomAD 0.0009%). This sequence change replaces leucine, which is neutral and non-polar, with phenylalanine, which is neutral and non-polar, at codon 717 of the CRB2 protein (p.Leu717Phe).

NM_173689.7(CRB2):c.2149C>T (p.Leu717Phe)

Gene: CRB2 (crumbs cell polarity complex component 2; plus strand). Cytogenetic location: 9q33.3.
Variant type: single nucleotide variant.
Coding change: c.2149C>T on transcript NM_173689.7 (MANE Select); coding-DNA position 2149, C replaced by T.
Protein change: p.Leu717Phe; replaces leucine 717 with phenylalanine.
Molecular consequence: missense variant. On other transcripts: non-coding transcript variant (1).
Genome position (GRCh38, 1-based): chr9:123,371,291, C>T. VCF-style: chr9-123371291-C-T. GRCh37 (hg19) VCF-style: chr9-126133570-C-T.
Other names: short protein forms L717F.
Identifiers: ClinVar variation 1380749 (VCV001380749.6), dbSNP rs776396868, ClinGen allele CA5232146.